The following is an entry in ClinVar:

NM_003721.4(RFXANK):c.634C>T (p.Arg212Ter)

Gene: RFXANK (regulatory factor X associated ankyrin containing protein; plus strand). Cytogenetic location: 19p13.11.
Variant type: single nucleotide variant.
Coding change: c.634C>T on transcript NM_003721.4 (MANE Select); coding-DNA position 634, C replaced by T.
Protein change: p.Arg212Ter; replaces arginine 212 with a stop codon.
Molecular consequence: nonsense.
Genome position (GRCh38, 1-based): chr19:19,199,156, C>T. VCF-style: chr19-19199156-C-T. GRCh37 (hg19) VCF-style: chr19-19309965-C-T.
Other names: c.568C>T, p.Arg190Ter (NM_001278727.2, NM_001370234.1); c.565C>T, p.Arg189Ter (NM_001278728.2, NM_134440.3); c.634C>T, p.Arg212Ter (NM_001370233.1, NM_001370238.1); c.631C>T, p.Arg211Ter (NM_001370235.1, NM_001370236.1, NM_001370237.1); short protein forms R189*, R190*, R211*, R212*.
Identifiers: ClinVar variation 1074711 (VCV001074711.13), dbSNP rs747402973, ClinGen allele CA9322873.
Genomic context (GRCh38, chr19:19,199,156, plus strand): 5'-AGACCCCATTCTGGACTCCCAGGCCCCACCCTCCAGCGCCCTCCCCTCTCCTTTGCAGCC[C>T]GAGGCGCTGACCTCACCACCGAAGCCGACTCTGGCTACACCCCGATGGACCTTGCCGTGG-3'

ClinVar aggregate classification (germline): Pathogenic. Review status: criteria provided, multiple submitters, no conflicts (2 of 4 stars). 4 submissions from 4 submitters: Pathogenic (3). 1 of the submissions does not count toward it. Last evaluated 2023-10-13.

Conditions:
MHC class II deficiency. Also called: BLS, TYPE II; Bare lymphocyte syndrome 2. Identifiers: Orphanet 572, MedGen C5447452, MONDO:0008855.
MHC class II deficiency 2. Also called: Bare lymphocyte syndrome, type II, complementation group B. Identifiers: MedGen C1859535, MONDO:0971013, OMIM 620815.

Allele frequency attached by ClinVar (database versions not stated): ExAC 0.00001; gnomAD 0.00001; gnomAD exomes 0.00001; TOPMed 0.00001.
gnomAD v4.1: 16 of 1,613,566 alleles (0.00099%); highest among the groups gnomAD compares: Middle Eastern, 0.016%; no homozygotes.

Submissions (4):

Labcorp Genetics (formerly Invitae), Labcorp
Classification: Pathogenic for MHC class II deficiency. Last evaluated: 2023-10-13. Review status: criteria provided, single submitter. Criteria: Invitae Variant Classification Sherloc (09022015). Collection method: clinical testing. Allele origin: germline.
Comment: This sequence change creates a premature translational stop signal (p.Arg212*) in the RFXANK gene. It is expected to result in an absent or disrupted protein product. Loss-of-function variants in RFXANK are known to be pathogenic (PMID: 10803838, 16166641, 21908431). This variant is present in population databases (rs747402973, gnomAD 0.003%). This premature translational stop signal has been observed in individual(s) with clinical features of MHC class II deficiency (PMID: 12618906). ClinVar contains an entry for this variant (Variation ID: 1074711). For these reasons, this variant has been classified as Pathogenic.

Women's Health and Genetics/Laboratory Corporation of America, LabCorp
Classification: Pathogenic for MHC class II deficiency. Last evaluated: 2022-10-12. Review status: criteria provided, single submitter. Criteria: LabCorp Variant Classification Summary - May 2015. Collection method: clinical testing. Allele origin: germline.
Comment: Variant summary: RFXANK c.634C>T (p.Arg212X) results in a premature termination codon, predicted to cause a truncation of the encoded protein or absence of the protein due to nonsense mediated decay, which are commonly known mechanisms for disease. The variant allele was found at a frequency of 8e-06 in 250558 control chromosomes (gnomAD). c.634C>T has been reported in the literature as a biallelic genotype in multiple individuals affected with MHC class II deficiency (e.g. Wiszniewski_2003, Abolhassani_2018, Suratannon_2020, Cakir_2021). These data indicate that the variant is very likely to be associated with disease. At least one publication reports experimental evidence evaluating an impact on protein function (Wiszniewski_2003). The most pronounced variant effect resulted in a severe reduction of RFXANK transcripts and complete loss of protein expression in cells from a homozygous individual. Two submitters have provided clinical-significance assessments for this variant to ClinVar after 2014 and both classified the variant as pathogenic. Based on the evidence outlined above, the variant was classified as pathogenic.

Randwick Genomics Laboratory, Prince of Wales Hospital Sydney, Australia, New South Wales Health Pathology
Classification: Pathogenic for MHC class II deficiency 1. Last evaluated: 2021-08-03. Review status: criteria provided, single submitter. Criteria: ACMG Guidelines, 2015. Collection method: clinical testing. Allele origin: inherited. Inheritance: Autosomal recessive inheritance. Affected: yes. Observed: 1 variant allele, 1 homozygote.
Comment: A substitution in codon 212 in the penultimate exon likely to be subject to nonsense mediated mRNA decay. This variant has been published previously as a pathogenic variant (PMID:12618906). This variant has been classified as pathogenic according to ACMG criteria with PVS1, PM2 and PP5.

OMIM
Classification: Pathogenic for MHC CLASS II DEFICIENCY 2. Last evaluated: 2003-02-01. Review status: no assertion criteria provided. Collection method: literature only. Allele origin: germline. Not counted in ClinVar's aggregate classification.

Literature cited by the submitters: PubMed 10803838 (cited by Labcorp Genetics (formerly Invitae), Labcorp); PubMed 16166641 (cited by Labcorp Genetics (formerly Invitae), Labcorp); PubMed 21908431 (cited by Labcorp Genetics (formerly Invitae), Labcorp); PubMed 12618906 (cited by 3 submitters); PubMed 32373116 (cited by Women's Health and Genetics/Laboratory Corporation of America, LabCorp); PubMed 28916186 (cited by Women's Health and Genetics/Laboratory Corporation of America, LabCorp); PubMed 34330684 (cited by Women's Health and Genetics/Laboratory Corporation of America, LabCorp); PubMed 37584719 (cited by OMIM).